The following is an entry in ClinVar:

NM_014806.5(RUSC2):c.1489C>T (p.Arg497Cys)

Gene: RUSC2 (RUN and SH3 domain containing 2; plus strand). Cytogenetic location: 9p13.3.
Variant type: single nucleotide variant.
Coding change: c.1489C>T on transcript NM_014806.5 (MANE Select); coding-DNA position 1489, C replaced by T.
Protein change: p.Arg497Cys; replaces arginine 497 with cysteine.
Molecular consequence: missense variant. On other transcripts: non-coding transcript variant (1), intron variant (1).
Genome position (GRCh38, 1-based): chr9:35,548,010, C>T. VCF-style: chr9-35548010-C-T. GRCh37 (hg19) VCF-style: chr9-35548007-C-T.
Other names: c.1489C>T, p.Arg497Cys (NM_001135999.2); c.-620-7050C>T (NM_001330740.2); short protein forms R497C.
Identifiers: ClinVar variation 2084529 (VCV002084529.3), dbSNP rs1587862564, ClinGen allele CA373333670.
Genomic context (GRCh38, chr9:35,548,010, plus strand): 5'-GAGGGACAAGTATACACGAATACTTCACCCCCCAACCTCAGCACTGGACGTCAGCGCTCC[C>T]GCAGCTATGATCGCAGCCTGCAGCGCAGCCCTCCTGTCCGCCTGGGCTCGCTGGAACGTA-3'
Protein context (NP_055621.2, residues 487-507): PNLSTGRQRS[Arg497Cys]SYDRSLQRSP

ClinVar aggregate classification (germline): Uncertain significance (1 of 4 stars; one submission).

Allele frequency attached by ClinVar (database versions not stated): gnomAD exomes below 0.00001.
gnomAD v4.1: 3 of 1,614,002 alleles (0.00019%); highest among the groups gnomAD compares: Non-Finnish European, 0.00025%; no homozygotes.

Submission:

Labcorp Genetics (formerly Invitae), Labcorp
Classification: Uncertain significance. Last evaluated: 2022-02-19. Review status: criteria provided, single submitter. Criteria: Invitae Variant Classification Sherloc (09022015). Collection method: clinical testing. Allele origin: germline.
Comment: Algorithms developed to predict the effect of missense changes on protein structure and function (SIFT, PolyPhen-2, Align-GVGD) all suggest that this variant is likely to be disruptive. This sequence change replaces arginine, which is basic and polar, with cysteine, which is neutral and slightly polar, at codon 497 of the RUSC2 protein (p.Arg497Cys). This variant is not present in population databases (gnomAD no frequency). This variant has not been reported in the literature in individuals affected with RUSC2-related conditions. In summary, the available evidence is currently insufficient to determine the role of this variant in disease. Therefore, it has been classified as a Variant of Uncertain Significance.